The following is an entry in ClinVar:

ClinVar aggregate classification (germline): Likely pathogenic (1 of 4 stars; one submission).

Conditions:
Hereditary cancer-predisposing syndrome. Also called: Tumor predisposition; Hereditary Cancer Syndrome; Hereditary neoplastic syndrome; Neoplastic Syndromes, Hereditary. Identifiers: Orphanet 140162, MedGen C0027672, MeSH D009386, MONDO:0015356.

Submission:

Ambry Genetics
Classification: Likely pathogenic for Hereditary cancer-predisposing syndrome. Last evaluated: 2019-09-30. Review status: criteria provided, single submitter. Criteria: Ambry Variant Classification Scheme 2023. Collection method: clinical testing. Allele origin: germline.
Comment: The p.G341C variant (also known as c.1021G>T), located in coding exon 8 of the BMPR1A gene, results from a G to T substitution at nucleotide position 1021. The glycine at codon 341 is replaced by cysteine, an amino acid with highly dissimilar properties. Based on internal structural analysis, this alteration was determined to be structurally deleterious. This variant was not reported in population-based cohorts in the Genome Aggregation Database (gnomAD). This amino acid position is highly conserved in available vertebrate species. In addition, this alteration is predicted to be deleterious by in silico analysis. Based on the majority of available evidence to date, this variant is likely to be pathogenic.

NM_004329.3(BMPR1A):c.1021G>T (p.Gly341Cys)

Gene: BMPR1A (bone morphogenetic protein receptor type 1A; plus strand). Cytogenetic location: 10q23.2.
Variant type: single nucleotide variant.
Coding change: c.1021G>T on transcript NM_004329.3 (MANE Select); coding-DNA position 1021, G replaced by T.
Protein change: p.Gly341Cys; replaces glycine 341 with cysteine.
Molecular consequence: missense variant.
Genome position (GRCh38, 1-based): chr10:86,919,324, G>T. VCF-style: chr10-86919324-G-T. GRCh37 (hg19) VCF-style: chr10-88679081-G-T.
Other names: short protein forms G341C.
Identifiers: ClinVar variation 486817 (VCV000486817.5), dbSNP rs1554891077, ClinGen allele CA377460608.
Genomic context (GRCh38, chr10:86,919,324, plus strand): 5'-CTGAAATGTGCTACACTGGACACCAGAGCCCTGCTTAAATTGGCTTATTCAGCTGCCTGT[G>T]GTCTGTGCCACCTGCACACAGAAATTTATGGCACCCAAGGAAAGCCCGCAATTGCTCATC-3'
Protein context (NP_004320.2, residues 331-351): LLKLAYSAAC[Gly341Cys]LCHLHTEIYG